The following is an entry in ClinVar:

ClinVar aggregate classification (germline): Uncertain significance (1 of 4 stars; one submission).

Submission:

GeneDx
Classification: Uncertain significance. Last evaluated: 2024-12-12. Review status: criteria provided, single submitter. Criteria: GeneDx Variant Classification Process June 2021. Collection method: clinical testing. Allele origin: germline. Affected: yes.
Comment: Not observed at significant frequency in large population cohorts (gnomAD); In silico analysis indicates that this missense variant does not alter protein structure/function; Has not been previously published as pathogenic or benign to our knowledge

NM_001365088.1(SLC12A6):c.934G>A (p.Ala312Thr)

Gene: SLC12A6 (solute carrier family 12 member 6; minus strand). Cytogenetic location: 15q14.
Variant type: single nucleotide variant.
Coding change: c.934G>A on transcript NM_001365088.1 (MANE Select); coding-DNA position 934, G replaced by A.
Protein change: p.Ala312Thr; replaces alanine 312 with threonine.
Molecular consequence: missense variant.
Genome position (GRCh38, 1-based): chr15:34,254,532, C>T on the plus strand (G>A on the coding strand, the complement: SLC12A6 is on the minus strand). VCF-style: chr15-34254532-C-T. GRCh37 (hg19) VCF-style: chr15-34546733-C-T.
Other names: c.757G>A, p.Ala253Thr (NM_001042494.2, NM_001042495.2); c.907G>A, p.Ala303Thr (NM_001042496.2); c.889G>A, p.Ala297Thr (NM_001042497.2); c.781G>A, p.Ala261Thr (NM_005135.2); c.934G>A, p.Ala312Thr (NM_133647.2); short protein forms A253T, A261T, A297T, A303T, A312T.
Identifiers: ClinVar variation 3902950 (VCV003902950.1).